The following is an entry in ClinVar:

NM_000548.5(TSC2):c.3610+4C>G

Gene: TSC2 (TSC complex subunit 2; plus strand). Cytogenetic location: 16p13.3.
Variant type: single nucleotide variant.
Coding change: c.3610+4C>G on transcript NM_000548.5 (MANE Select); 4 bases into the intron after coding-DNA position 3610, C replaced by G.
Molecular consequence: intron variant.
Genome position (GRCh38, 1-based): chr16:2,080,381, C>G. VCF-style: chr16-2080381-C-G. GRCh37 (hg19) VCF-style: chr16-2130382-C-G.
Other names: c.3610+4C>G (NM_001114382.3); c.3481+4C>G (NM_021055.3, NM_001370405.1, NM_001363528.2); c.3478+4C>G (NM_001370404.1, NM_001077183.3); c.3370+4C>G (NM_001318827.2); c.2878+4C>G (NM_001318831.2); c.3334+4C>G (NM_001318829.2); c.3511+4C>G (NM_001318832.2).
Identifiers: ClinVar variation 1382458 (VCV001382458.9), dbSNP rs201978396, ClinGen allele CA2573151680.
Genomic context (GRCh38, chr16:2,080,381, plus strand): 5'-CCTATGTGCCCCTGCTGACCCAGGGCTGGGCGGAGATCCTGGTCCGGAGGCCCACAGGTA[C>G]TGGGCGGGGCTGGCCTGAGCGCCATCTTTCTGCCAGTCACCCACAGAGCTGTGGACACTC-3'

ClinVar aggregate classification (germline): Uncertain significance. Review status: criteria provided, multiple submitters, no conflicts (2 of 4 stars). 3 submissions from 3 submitters: Uncertain significance (3). Last evaluated 2024-06-17.

Conditions:
Tuberous sclerosis 2 (TSC2). Identifiers: Orphanet 805, MedGen C1860707, MONDO:0013199, OMIM 613254.
Hereditary cancer-predisposing syndrome. Also called: Tumor predisposition; Hereditary neoplastic syndrome; Neoplastic Syndromes, Hereditary; Hereditary Cancer Syndrome. Identifiers: Orphanet 140162, MedGen C0027672, MeSH D009386, MONDO:0015356.
Tuberous sclerosis syndrome (TSC). Also called: Tuberous sclerosis; Tuberous Sclerosis Complex. Identifiers: Orphanet 805, MedGen C0041341, MONDO:0001734.

Submissions (3):

All of Us Research Program, National Institutes of Health
Classification: Uncertain significance for Tuberous sclerosis syndrome. Last evaluated: 2024-06-17. Review status: criteria provided, single submitter. Criteria: ACMG Guidelines, 2015. Collection method: clinical testing. Allele origin: germline. Inheritance: Autosomal dominant inheritance. Observed: 1 variant allele, 1 heterozygote.
Comment: This variant causes a C to G nucleotide substitution at the +4 position of intron 30 of the TSC2 gene. Splice site prediction tools suggest that this variant may not impact RNA splicing. To our knowledge, functional studies have not been reported for this variant. This variant has not been reported in individuals affected with TSC2-related disorders in the literature. This variant has not been identified in the general population by the Genome Aggregation Database (gnomAD). The available evidence is insufficient to determine the role of this variant in disease conclusively. Therefore, this variant is classified as a Variant of Uncertain Significance.

This study involves interpretation of variants in research participants for the purpose of population health screening. Participant phenotype was not available at the time of variant classification. Additional details can be found in publication PMID: 35346344, PMCID: PMC8962531

Ambry Genetics
Classification: Uncertain significance for Hereditary cancer-predisposing syndrome. Last evaluated: 2024-02-13. Review status: criteria provided, single submitter. Criteria: Ambry Variant Classification Scheme 2023. Collection method: clinical testing. Allele origin: germline.
Comment: The c.3610+4C>G intronic variant results from a C to G substitution 4 nucleotides after coding exon 29 in the TSC2 gene. This nucleotide position is well conserved in available vertebrate species. In silico splice site analysis for this alteration is inconclusive; and direct evidence is insufficient (Ambry internal data). Since supporting evidence is limited at this time, the clinical significance of this alteration remains unclear.

Labcorp Genetics (formerly Invitae), Labcorp
Classification: Uncertain significance for Tuberous sclerosis 2. Last evaluated: 2024-02-01. Review status: criteria provided, single submitter. Criteria: Invitae Variant Classification Sherloc (09022015). Collection method: clinical testing. Allele origin: germline.
Comment: This sequence change falls in intron 30 of the TSC2 gene. It does not directly change the encoded amino acid sequence of the TSC2 protein. It affects a nucleotide within the consensus splice site. This variant is not present in population databases (gnomAD no frequency). This variant has not been reported in the literature in individuals affected with TSC2-related conditions. ClinVar contains an entry for this variant (Variation ID: 1382458). Variants that disrupt the consensus splice site are a relatively common cause of aberrant splicing (PMID: 17576681, 9536098). Algorithms developed to predict the effect of sequence changes on RNA splicing suggest that this variant is not likely to affect RNA splicing. In summary, the available evidence is currently insufficient to determine the role of this variant in disease. Therefore, it has been classified as a Variant of Uncertain Significance.

Literature cited by the submitters: PubMed 17576681 (cited by Labcorp Genetics (formerly Invitae), Labcorp); PubMed 9536098 (cited by Labcorp Genetics (formerly Invitae), Labcorp).